The following is an entry in ClinVar:

NC_000016.9:g.(?_8829597)_(8839975_?)dup

Gene: ABAT (4-aminobutyrate aminotransferase; plus strand). Cytogenetic location: 16p13.2.
Variant type: Duplication.
Identifiers: ClinVar variation 2426575 (VCV002426575.4).

ClinVar aggregate classification (germline): Uncertain significance (1 of 4 stars; one submission).

Conditions:
Gamma-aminobutyric acid transaminase deficiency (GABATD). Also called: GABA transaminase deficiency; Gamma aminobutyrate transaminase deficiency; 4 alpha aminobutyrate transaminase deficiency; GABA aminotransaminase deficiency. Identifiers: Orphanet 2066, MedGen C0342708, MONDO:0013166, OMIM 613163.

Submission:

Labcorp Genetics (formerly Invitae), Labcorp
Classification: Uncertain significance for Gamma-aminobutyric acid transaminase deficiency. Last evaluated: 2022-07-19. Review status: criteria provided, single submitter. Criteria: Invitae Variant Classification Sherloc (09022015). Collection method: clinical testing. Allele origin: germline.
Comment: This variant results in a copy number gain of the genomic region encompassing exon(s) 2-3 of the ABAT gene. This region includes the initiator codon of the gene. This copy number gain extends beyond the assayed region for this gene and therefore may encompass additional genes. As the precise location of this event is unknown, it may be in tandem or it may be located elsewhere in the genome. This variant has not been reported in the literature in individuals affected with ABAT-related conditions. In summary, the available evidence is currently insufficient to determine the role of this variant in disease. Therefore, it has been classified as a Variant of Uncertain Significance.